The following is an entry in ClinVar:

NM_006767.4(LZTR1):c.1354-5T>C

Gene: LZTR1 (leucine zipper like post translational regulator 1; plus strand). Cytogenetic location: 22q11.21.
Variant type: single nucleotide variant.
Coding change: c.1354-5T>C on transcript NM_006767.4 (MANE Select); 5 bases into the intron before coding-DNA position 1354, T replaced by C.
Molecular consequence: intron variant.
Genome position (GRCh38, 1-based): chr22:20,993,919, T>C. VCF-style: chr22-20993919-T-C. GRCh37 (hg19) VCF-style: chr22-21348208-T-C.
Identifiers: ClinVar variation 1770660 (VCV001770660.5), dbSNP rs368421766, ClinGen allele CA2580099160.

ClinVar aggregate classification (germline): Conflicting classifications of pathogenicity. Review status: criteria provided, conflicting classifications (1 of 4 stars). 2 submissions from 2 submitters: Uncertain significance (1); Likely benign (1). Last evaluated 2025-05-11.

Conditions:
Cardiovascular phenotype. Identifiers: MedGen CN230736.
Hereditary cancer-predisposing syndrome. Also called: Hereditary Cancer Syndrome; Hereditary neoplastic syndrome; Neoplastic Syndromes, Hereditary; Tumor predisposition. Identifiers: Orphanet 140162, MedGen C0027672, MeSH D009386, MONDO:0015356.

Submissions (2):

Labcorp Genetics (formerly Invitae), Labcorp
Classification: Likely benign. Last evaluated: 2025-05-11. Review status: criteria provided, single submitter. Criteria: Invitae Variant Classification Sherloc (09022015). Collection method: clinical testing. Allele origin: germline.

Ambry Genetics
Classification: Uncertain significance for Cardiovascular phenotype; Hereditary cancer-predisposing syndrome. Last evaluated: 2020-08-11. Review status: criteria provided, single submitter. Criteria: Ambry Variant Classification Scheme 2023. Collection method: clinical testing. Allele origin: germline.
Comment: The c.1354-5T>C intronic variant results from a T to C substitution 5 nucleotides upstream from coding exon 13 in the LZTR1 gene. This nucleotide position is not well conserved in available vertebrate species. In silico splice site analysis predicts that this alteration will not have any significant effect on splicing. Since supporting evidence is limited at this time, the clinical significance of this alteration remains unclear.